The following is an entry in ClinVar:

ClinVar aggregate classification (germline): Pathogenic (1 of 4 stars; one submission).

Conditions:
EPILEPSY, CHILDHOOD ABSENCE, SUSCEPTIBILITY TO, 2 (ECA2). Identifiers: Orphanet 64280, MedGen C1843244, OMIM 607681.
Febrile seizures, familial, 8 (FEB8). Also called: CONVULSIONS, FAMILIAL FEBRILE, 8. Identifiers: Orphanet 36387, MedGen C1969810, MONDO:0011891, OMIM 607681.

Submission:

Labcorp Genetics (formerly Invitae), Labcorp
Classification: Pathogenic for Febrile seizures, familial, 8; EPILEPSY, CHILDHOOD ABSENCE, SUSCEPTIBILITY TO, 2. Last evaluated: 2024-10-15. Review status: criteria provided, single submitter. Criteria: Invitae Variant Classification Sherloc (09022015). Collection method: clinical testing. Allele origin: germline.
Comment: This sequence change creates a premature translational stop signal (p.Phe345Leufs*47) in the GABRG2 gene. While this is not anticipated to result in nonsense mediated decay, it is expected to disrupt the last 123 amino acid(s) of the GABRG2 protein. This variant is not present in population databases (gnomAD no frequency). This premature translational stop signal has been observed in individual(s) with epilepsy (PMID: 31440721). ClinVar contains an entry for this variant (Variation ID: 652738). Experimental studies and prediction algorithms are not available or were not evaluated, and the functional significance of this variant is currently unknown. This variant disrupts a region of the GABRG2 protein in which other variant(s) (p.Gln390*) have been determined to be pathogenic (PMID: 11748509, 19261880, 23720301, 26005849, 27762395). This suggests that this is a clinically significant region of the protein, and that variants that disrupt it are likely to be disease-causing. For these reasons, this variant has been classified as Pathogenic.

Literature cited by the submitters: PubMed 31440721; PubMed 11748509; PubMed 19261880; PubMed 23720301; PubMed 26005849; PubMed 27762395.

NM_198904.4(GABRG2):c.1035del (p.Phe345fs)

Gene: GABRG2 (gamma-aminobutyric acid type A receptor subunit gamma2; plus strand). Cytogenetic location: 5q34.
Variant type: Deletion.
Coding change: c.1035del on transcript NM_198904.4 (MANE Select); coding-DNA position 1035, one base deleted (T; older notation c.1035delT).
Protein change: p.Phe345fs; shifts the reading frame from phenylalanine 345.
Molecular consequence: frameshift variant. On other transcripts: intron variant (1).
Genome position (GRCh38, 1-based): chr5:162,149,220, T deleted; the last of 3 consecutive T bases (chr5:162,149,218-162,149,220); deleting any one gives the same sequence. VCF-style (leftmost placement, unchanged base first): chr5-162149217-CT-C. GRCh37 (hg19) VCF-style: chr5-161576223-CT-C.
Other names: c.1035delT (NM_000816.3); c.1035del, p.Phe345fs (NM_000816.3); c.1026del, p.Phe342fs (NM_001375339.1); c.1032del, p.Phe344fs (NM_001375341.1, NM_001375342.1); c.1155del, p.Phe385fs (NM_001375343.1, NM_198903.2); c.1074del, p.Phe358fs (NM_001375344.1); c.969del, p.Phe323fs (NM_001375345.1, NM_001375346.1); c.948del, p.Phe316fs (NM_001375347.1); and 3 more; short protein forms F385fs, F345fs, F250fs, F344fs, F316fs, F323fs, F205fs, F342fs.
Identifiers: ClinVar variation 652738 (VCV000652738.9), dbSNP rs1581453822, ClinGen allele CA915942711.